The following is an entry in ClinVar:

NM_018136.5(ASPM):c.2096A>C (p.Gln699Pro)

Gene: ASPM (assembly factor for spindle microtubules; minus strand). Cytogenetic location: 1q31.3.
Variant type: single nucleotide variant.
Coding change: c.2096A>C on transcript NM_018136.5 (MANE Select); coding-DNA position 2096, A replaced by C.
Protein change: p.Gln699Pro; replaces glutamine 699 with proline.
Molecular consequence: missense variant.
Genome position (GRCh38, 1-based): chr1:197,135,173, T>G on the plus strand (A>C on the coding strand, the complement: ASPM is on the minus strand). VCF-style: chr1-197135173-T-G. GRCh37 (hg19) VCF-style: chr1-197104303-T-G.
Other names: c.2096A>C, p.Gln699Pro (NM_001206846.2); short protein forms Q699P.
Identifiers: ClinVar variation 2639705 (VCV002639705.24), dbSNP rs2527382331, ClinGen allele CA344010479.
Genomic context (GRCh38, chr1:197,135,173, plus strand): 5'-TTTACAGTGAAGTCATCAGGGGTTAATATAAAATTTAACCACCAAGTGAAGCCCTGTTCC[T>G]GCTTTTCCTTCCAGCGTTCATCATAAAACATGTTTTTTGCAGCAAATGGCATCGGGTGTC-3'
Protein context (NP_060606.3, residues 689-709): MFYDERWKEK[Gln699Pro]EQGFTWWLNF

ClinVar aggregate classification (germline): Uncertain significance (1 of 4 stars; one submission).

Submission:

CeGaT Center for Human Genetics Tuebingen
Classification: Uncertain significance. Last evaluated: 2023-08-01. Review status: criteria provided, single submitter. Criteria: CeGaT Center For Human Genetics Tuebingen Variant Classification Criteria Version 2. Collection method: clinical testing. Allele origin: germline. Affected: yes. Observed: 1 variant allele.
Comment: ASPM: PM2, PM3:Supporting, BP1